The following is an entry in ClinVar:

NM_001001557.4(GDF6):c.852C>G (p.Ser284=)

Gene: GDF6 (growth differentiation factor 6; minus strand). Cytogenetic location: 8q22.1.
Variant type: single nucleotide variant.
Coding change: c.852C>G on transcript NM_001001557.4 (MANE Select); coding-DNA position 852, C replaced by G.
Protein change: p.Ser284=; no amino-acid change (serine 284 retained).
Molecular consequence: synonymous variant.
Genome position (GRCh38, 1-based): chr8:96,145,079, G>C on the plus strand (C>G on the coding strand, the complement: GDF6 is on the minus strand). VCF-style: chr8-96145079-G-C. GRCh37 (hg19) VCF-style: chr8-97157307-G-C.
Identifiers: ClinVar variation 364046 (VCV000364046.20), dbSNP rs74498875, ClinGen allele CA4815401.

ClinVar aggregate classification (germline): Benign/Likely benign. Review status: criteria provided, multiple submitters, no conflicts (2 of 4 stars). 5 submissions from 5 submitters: Benign (2); Likely benign (3). Last evaluated 2026-02-01.

Conditions:
Klippel-Feil syndrome 1, autosomal dominant (KFS1). Also called: CERVICAL VERTEBRAL FUSION, AUTOSOMAL DOMINANT. Identifiers: Orphanet 2345, MedGen C1861689, MONDO:0007306, OMIM 118100.
Microphthalmia, isolated, with coloboma 6 (MCOPCB6). Also called: Microphthalmia with coloboma 6, digenic; Microphthalmia with coloboma 6; MICROPHTHALMIA/COLOBOMA 6. Identifiers: Orphanet 98938, MedGen C3150968, MONDO:0013376, OMIM 613703.
Isolated microphthalmia 4. Identifiers: Orphanet 2542, MedGen C2751307, MONDO:0013130, OMIM 613094.
Leber congenital amaurosis 17 (LCA17). Identifiers: Orphanet 65, MedGen C3715164, MONDO:0014145, OMIM 615360.

Allele frequency attached by ClinVar (database versions not stated): gnomAD exomes 0.00042 and 0.00062; ExAC 0.00207; ESP Exome Variant Server 0.00261; gnomAD 0.00565 and 0.00603; 1000 Genomes Project 0.00639; TOPMed 0.00655; 1000 Genomes Project 30x 0.00671.
gnomAD v4.1: 1,476 of 1,511,240 alleles (0.098%); highest among the groups gnomAD compares: African/African-American, 1.9%; 21 homozygotes.

Submissions (5):

Labcorp Genetics (formerly Invitae), Labcorp
Classification: Benign for Isolated microphthalmia 4; Leber congenital amaurosis 17; Klippel-Feil syndrome 1, autosomal dominant; Microphthalmia, isolated, with coloboma 6. Last evaluated: 2026-02-01. Review status: criteria provided, single submitter. Criteria: Invitae Variant Classification Sherloc (09022015). Collection method: clinical testing. Allele origin: germline.

Blueprint Genetics
Classification: Likely benign. Last evaluated: 2024-11-25. Review status: criteria provided, single submitter. Criteria: ACMG Guidelines, 2015. Collection method: clinical testing. Allele origin: germline.

GeneDx
Classification: Benign. Last evaluated: 2020-09-17. Review status: criteria provided, single submitter. Criteria: GeneDx Variant Classification Process June 2021. Collection method: clinical testing. Allele origin: germline. Affected: yes.
Comment: This variant is associated with the following publications: (PMID: 21070663)

Illumina Laboratory Services, Illumina
Classification: Likely benign for Klippel-Feil syndrome 1, autosomal dominant. Last evaluated: 2017-04-27. Review status: criteria provided, single submitter. Criteria: ICSL Variant Classification Criteria 13 December 2019. Collection method: clinical testing. Allele origin: germline.
Comment: This variant was observed as part of a predisposition screen in an ostensibly healthy population. A literature search was performed for the gene, cDNA change, and amino acid change (where applicable). Publications were found based on this search. The evidence from the literature, in combination with allele frequency data from public databases where available, was sufficient to determine this variant is unlikely to cause disease. Therefore, this variant is classified as likely benign.

Breakthrough Genomics
Classification: Likely benign. Review status: criteria provided, single submitter. Criteria: ACMG Guidelines, 2015. Collection method: not provided. Allele origin: germline. Inheritance: Autosomal recessive inheritance. Affected: yes.

Literature cited by the submitters: PubMed 21070663 (cited by Illumina Laboratory Services, Illumina).